The following is an entry in ClinVar:

NM_147127.5(EVC2):c.2707-1G>A

Gene: EVC2 (EvC ciliary complex subunit 2; minus strand). Cytogenetic location: 4p16.2.
Variant type: single nucleotide variant.
Coding change: c.2707-1G>A on transcript NM_147127.5 (MANE Select); the canonical splice acceptor site of the intron before coding-DNA position 2707, G replaced by A.
Molecular consequence: splice acceptor variant.
Genome position (GRCh38, 1-based): chr4:5,615,545, C>T on the plus strand (G>A on the coding strand, the complement: EVC2 is on the minus strand). VCF-style: chr4-5615545-C-T. GRCh37 (hg19) VCF-style: chr4-5617272-C-T.
Other names: c.2467-1G>A (NM_001166136.2).
Identifiers: ClinVar variation 2943801 (VCV002943801.3), dbSNP rs749251178, ClinGen allele CA356142461.

ClinVar aggregate classification (germline): Likely pathogenic (1 of 4 stars; one submission).

Conditions:
Curry-Hall syndrome (WAD). Also called: WEYERS ACRODENTAL DYSOSTOSIS. Identifiers: Orphanet 952, MedGen C0457013, MONDO:0008673, OMIM 193530.
Ellis-van Creveld syndrome (EVC). Also called: EVC-Related Ellis-van Creveld Syndrome; EVC2-Related Ellis-van Creveld Syndrome; MESOECTODERMAL DYSPLASIA; Chondroectodermal dysplasia. Identifiers: Orphanet 289, MedGen C0013903, MONDO:0009162, OMIM 225500.

Submission:

Labcorp Genetics (formerly Invitae), Labcorp
Classification: Likely pathogenic for Curry-Hall syndrome; Ellis-van Creveld syndrome. Last evaluated: 2023-10-22. Review status: criteria provided, single submitter. Criteria: Invitae Variant Classification Sherloc (09022015). Collection method: clinical testing. Allele origin: germline.
Comment: This sequence change affects an acceptor splice site in intron 15 of the EVC2 gene. It is expected to disrupt RNA splicing. Variants that disrupt the donor or acceptor splice site typically lead to a loss of protein function (PMID: 16199547), and loss-of-function variants in EVC2 are known to be pathogenic (PMID: 17024374, 19810119, 19876929). This variant is not present in population databases (gnomAD no frequency). This variant has not been reported in the literature in individuals affected with EVC2-related conditions. Algorithms developed to predict the effect of sequence changes on RNA splicing suggest that this variant may disrupt the consensus splice site. In summary, the currently available evidence indicates that the variant is pathogenic, but additional data are needed to prove that conclusively. Therefore, this variant has been classified as Likely Pathogenic.

Literature cited by the submitters: PubMed 16199547; PubMed 17024374; PubMed 19810119; PubMed 19876929.